The following is an entry in ClinVar:

ClinVar aggregate classification (germline): Likely benign (0 of 4 stars; one submission).

Conditions:
MYO18A-related disorder. Also called: MYO18A-related condition.

Submission:

PreventionGenetics, part of Exact Sciences
Classification: Likely benign for MYO18A-related condition. Last evaluated: 2022-02-10. Review status: no assertion criteria provided. Collection method: clinical testing. Allele origin: germline.
Comment: This variant is classified as likely benign based on ACMG/AMP sequence variant interpretation guidelines (Richards et al. 2015 PMID: 25741868, with internal and published modifications).

NM_078471.4(MYO18A):c.6134_6135del (p.Thr2045fs)

Gene: MYO18A (myosin XVIIIA; minus strand). Cytogenetic location: 17q11.2.
Variant type: Microsatellite.
Coding change: c.6134_6135del on transcript NM_078471.4 (MANE Select); coding-DNA positions 6134 to 6135, 2 bases deleted (CA; older notation c.6134_6135delCA).
Protein change: p.Thr2045fs; shifts the reading frame from threonine 2045.
Molecular consequence: frameshift variant.
Genome position (GRCh38, 1-based): chr17:29,074,800-29,074,801, TG deleted on the plus strand (CA on the coding strand, the reverse complement: MYO18A is on the minus strand); deleting any 2 consecutive bases within chr17:29,074,800-29,074,804 gives the same sequence; the c. name uses the placement nearest the transcript's 3' end. VCF-style (leftmost placement, unchanged base first): chr17-29074799-CTG-C. GRCh37 (hg19) VCF-style: chr17-27401817-CTG-C.
Other names: c.6146_6147del, p.Thr2049fs (NM_001346765.2); c.6125_6126del, p.Thr2042fs (NM_001346766.2); c.5978_5979del, p.Thr1993fs (NM_001346767.2); c.4715_4716del, p.Thr1572fs (NM_001346768.2); c.6089_6090del, p.Thr2030fs (NM_203318.2); short protein forms T1572fs, T1993fs, T2030fs, T2042fs, T2045fs, T2049fs.
Identifiers: ClinVar variation 3047824 (VCV003047824.2), dbSNP rs144652932, ClinGen allele CA8471757.